The following continues an entry in ClinVar:

NM_032043.3(BRIP1):c.2400C>G (p.Tyr800Ter)

Gene: BRIP1. ClinVar aggregate classification (germline): Pathogenic/Likely pathogenic. Pathogenic (15); Likely pathogenic (2).

Submissions 14 to 20 of 20:

Sema4
Classification: Pathogenic for Hereditary cancer-predisposing syndrome. Last evaluated: 2021-11-22. Review status: criteria provided, single submitter. Criteria: Sema4 Curation Guidelines. Collection method: curation. Allele origin: germline.
Comment: The BRIP1 c.2400C>G (p.Y800X) variant has been reported as compound heterozygous in at least one individual with Fanconi anemia type J (PMID: 16116424). This variant has also been reported in heterozygosity in individuals with ovarian cancer, peritoneal cancer, breast cancer, head and neck squamous cell carcinoma, or colon polyps (PMID: 33471991, 26315354, 26720728, 26681312, 26689913, among others). It is also known as c.2541C>G in the literature. This nonsense variant creates a premature stop codon at residue 800 of the BRIP1 protein. At this location, this is predicted to cause nonsense-mediated decay and result in an absent protein (loss of function). Loss-of-function variants in BRIP1 are known to be pathogenic (PMID: 16116423, 17033622, 21964575). It was observed in 6/112754 chromosomes of the Non-Finnish European subpopulation in the large and broad cohorts of the Genome Aggregation Database (PMID: 32461654). The variant has been reported in ClinVar (Variation ID: 142343). Based on the current evidence available, this variant is interpreted as pathogenic.

Women's Health and Genetics/Laboratory Corporation of America, LabCorp
Classification: Pathogenic for Fanconi anemia complementation group J. Last evaluated: 2021-06-16. Review status: criteria provided, single submitter. Criteria: LabCorp Variant Classification Summary - May 2015. Collection method: clinical testing. Allele origin: germline.
Comment: Variant summary: BRIP1 c.2400C>G (p.Tyr800X) results in a premature termination codon, predicted to cause a truncation of the encoded protein or absence of the protein due to nonsense mediated decay, which are commonly known mechanisms for disease. The variant allele was found at a frequency of 2.8e-05 in 360186 control chromosomes (gnomAD and publication data). This frequency is not higher than expected for a pathogenic variant in BRIP1 causing Fanconi Anemia Complementation Group J (2.8e-05 vs 0.0004), allowing no conclusion about variant significance. In addition, this variant has also been reported in 1 / 7325 European American woman who was older than age 70, and cancer free (in the FLOSSIES database). The variant, c.2400C>G, has been reported in the literature in a compound heterozygous individual affected with Fanconi Anemia Complementation Group J (FANCJ), who carried a pathogenic BRIP1 variant in trans (Levran_2005). In addition, the variant was also reported in heterozygous state in several individuals affected with ovarian cancer, breast cancer and other tumor phenotypes (e.g. Norquist_2016, Ramus_2015, Weber-Lassalle_2018, Susswein_2016). A recent large case-control study evaluating breast cancer (BrC) cases and controls in the Breast Cancer Association Consortium (BCAC), reported no risk association with familial breast cancer for BRIP1 truncating variants (Dorling_2021). However, a recent meta-analysis found a moderate risk association for BRIP1 truncating variants (including the variant of interest) with ovarian cancer (overall odds ratio (OR) = 4.94, 95% CIs: 4.07-6.00, p <0.0001; Suszynska_2020). At least one publication reported lack of protein expression on immunoblot analysis in cells derived from a FANCJ patient, though the presence of a truncated protein couldn't be excluded, as the antibodies used bound the C terminus (Levran_2005). However, a truncating variant at this protein level (i.e. amino acid 800) is also expected to have a detrimental effect on protein function, as the BRCA1-BRIP1 interaction domain lies in residues 888-1063 (UniProt, PMID: 11301010). Five clinical diagnostic laboratories have submitted clinical-significance assessments for this variant to ClinVar after 2014 without evidence for independent evaluation. All laboratories classified the variant as pathogenic. Based on the evidence outlined above, the variant was classified as pathogenic.

Genetics and Molecular Pathology, SA Pathology
Classification: Pathogenic for Breast-ovarian cancer, familial, susceptibility to, 1. Last evaluated: 2021-03-17. Review status: criteria provided, single submitter. Criteria: ACMG Guidelines, 2015. Collection method: clinical testing. Allele origin: germline. Affected: yes.
Comment: PS4, PVS1

Department of Pathology and Laboratory Medicine, Sinai Health System
Classification: Pathogenic for Hereditary breast ovarian cancer syndrome. Last evaluated: 2021-03-09. Review status: criteria provided, single submitter. Criteria: ACMG Guidelines, 2015. Collection method: clinical testing. Allele origin: germline. Affected: yes.

BRCAlab, Lund University
Classification: Pathogenic for Ovarian cancer. Last evaluated: 2022-08-26. Review status: no assertion criteria provided. Collection method: clinical testing. Allele origin: germline. Affected: yes. Not counted in ClinVar's aggregate classification.

CZECANCA consortium
Classification: Pathogenic for Breast and/or ovarian cancer. Last evaluated: 2019-06-11. Review status: no assertion criteria provided. Collection method: clinical testing. Allele origin: germline. Affected: yes. Observed: 1 variant allele. Not counted in ClinVar's aggregate classification.

Leiden Open Variation Database
Classification: Pathogenic for Fanconi anemia complementation group J. Last evaluated: 2011-02-07. Review status: no assertion criteria provided. Collection method: curation. Allele origin: germline. Affected: yes. Not counted in ClinVar's aggregate classification.
Comment: Curator: Arleen D. Auerbach. Submitter to LOVD: Arleen D. Auerbach.

Literature cited by the submitters: PubMed 16116423 (cited by Labcorp Genetics (formerly Invitae), Labcorp and Sema4); PubMed 17033622 (cited by Labcorp Genetics (formerly Invitae), Labcorp and Sema4); PubMed 21964575 (cited by Labcorp Genetics (formerly Invitae), Labcorp and Sema4); PubMed 16116424 (cited by 9 submitters); PubMed 26315354 (cited by 6 submitters); PubMed 29368626 (cited by 3 submitters); PubMed 32359370 (cited by 3 submitters); PubMed 26720728 (cited by 4 submitters); PubMed 29958926 (cited by Color Diagnostics, LLC DBA Color Health and Ambry Genetics); PubMed 33471991 (cited by 4 submitters); PubMed 30322717 (cited by Ambry Genetics); PubMed 31341520 (cited by Ambry Genetics); PubMed 26681312 (cited by Sema4 and Women's Health and Genetics/Laboratory Corporation of America, LabCorp); PubMed 26689913 (cited by Sema4); PubMed 32295079 (cited by CZECANCA consortium).